The following is an entry in ClinVar:

NM_004370.6(COL12A1):c.8990G>A (p.Arg2997Gln)

Gene: COL12A1 (collagen type XII alpha 1 chain; minus strand). Cytogenetic location: 6q13.
Variant type: single nucleotide variant.
Coding change: c.8990G>A on transcript NM_004370.6 (MANE Select); coding-DNA position 8990, G replaced by A.
Protein change: p.Arg2997Gln; replaces arginine 2997 with glutamine.
Molecular consequence: missense variant.
Genome position (GRCh38, 1-based): chr6:75,089,126, C>T on the plus strand (G>A on the coding strand, the complement: COL12A1 is on the minus strand). VCF-style: chr6-75089126-C-T. GRCh37 (hg19) VCF-style: chr6-75798842-C-T.
Other names: c.5498G>A, p.Arg1833Gln (NM_080645.3); short protein forms R1833Q, R2997Q.
Identifiers: ClinVar variation 955982 (VCV000955982.9), dbSNP rs778638053, ClinGen allele CA3892057.

ClinVar aggregate classification (germline): Uncertain significance (1 of 4 stars; one submission).

Conditions:
Ullrich congenital muscular dystrophy 2 (UCMD2). Identifiers: Orphanet 75840, MedGen C4225314, MONDO:0014654, OMIM 616470.
Bethlem myopathy 2 (BTHLM2). Identifiers: Orphanet 536516, Orphanet 610, MedGen C4225313, MONDO:0034022, OMIM 616471.

Allele frequency attached by ClinVar (database versions not stated): ExAC 0.00001; gnomAD 0.00001; gnomAD exomes 0.00001 and below 0.00001; TOPMed 0.00001.
gnomAD v4.1: 6 of 1,611,222 alleles (0.00037%); highest among the groups gnomAD compares: Non-Finnish European, 0.00042%; no homozygotes.

Submission:

Labcorp Genetics (formerly Invitae), Labcorp
Classification: Uncertain significance for Bethlem myopathy 2; Ullrich congenital muscular dystrophy 2. Last evaluated: 2025-06-02. Review status: criteria provided, single submitter. Criteria: Invitae Variant Classification Sherloc (09022015). Collection method: clinical testing. Allele origin: germline.
Comment: This sequence change replaces arginine, which is basic and polar, with glutamine, which is neutral and polar, at codon 2997 of the COL12A1 protein (p.Arg2997Gln). This variant is present in population databases (rs778638053, gnomAD 0.002%). This variant has not been reported in the literature in individuals affected with COL12A1-related conditions. ClinVar contains an entry for this variant (Variation ID: 955982). An algorithm developed to predict the effect of missense changes on protein structure and function (PolyPhen-2) suggests that this variant is likely to be disruptive. In summary, the available evidence is currently insufficient to determine the role of this variant in disease. Therefore, it has been classified as a Variant of Uncertain Significance.